The following is an entry in ClinVar:

NM_022072.5(NSUN3):c.115A>G (p.Thr39Ala)

Gene: NSUN3 (NOP2/Sun RNA methyltransferase 3; plus strand). Cytogenetic location: 3q11.2.
Variant type: single nucleotide variant.
Coding change: c.115A>G on transcript NM_022072.5 (MANE Select); coding-DNA position 115, A replaced by G.
Protein change: p.Thr39Ala; replaces threonine 39 with alanine.
Molecular consequence: missense variant.
Genome position (GRCh38, 1-based): chr3:94,064,539, A>G. VCF-style: chr3-94064539-A-G. GRCh37 (hg19) VCF-style: chr3-93783383-A-G.
Other names: short protein forms T39A.
Identifiers: ClinVar variation 1961250 (VCV001961250.5), dbSNP rs978598458, ClinGen allele CA78553313.

ClinVar aggregate classification (germline): Uncertain significance (1 of 4 stars; one submission).

Allele frequency attached by ClinVar (database versions not stated): gnomAD 0.00001; TOPMed below 0.00001; gnomAD exomes below 0.00001.
gnomAD v4.1: 3 of 1,572,742 alleles (0.00019%); highest among the groups gnomAD compares: Non-Finnish European, 0.00026%; no homozygotes.

Submission:

Labcorp Genetics (formerly Invitae), Labcorp
Classification: Uncertain significance. Last evaluated: 2025-03-06. Review status: criteria provided, single submitter. Criteria: Invitae Variant Classification Sherloc (09022015). Collection method: clinical testing. Allele origin: germline.
Comment: This sequence change replaces threonine, which is neutral and polar, with alanine, which is neutral and non-polar, at codon 39 of the NSUN3 protein (p.Thr39Ala). This variant is not present in population databases (gnomAD no frequency). This variant has not been reported in the literature in individuals affected with NSUN3-related conditions. ClinVar contains an entry for this variant (Variation ID: 1961250). An algorithm developed to predict the effect of missense changes on protein structure and function outputs the following: PolyPhen-2: "Benign". The alanine amino acid residue is found in multiple mammalian species, which suggests that this missense change does not adversely affect protein function. In summary, the available evidence is currently insufficient to determine the role of this variant in disease. Therefore, it has been classified as a Variant of Uncertain Significance.